The following is an entry in ClinVar:

ClinVar aggregate classification (germline): Uncertain significance (1 of 4 stars; one submission).

Conditions:
TTN-related disorder. Also called: TTN-related condition; TTN-related disease; TTN-related disorders.

gnomAD v4.1: 15 of 1,612,578 alleles (0.00093%); highest among the groups gnomAD compares: Non-Finnish European, 0.0013%; no homozygotes.

Submission:

PreventionGenetics, part of Exact Sciences
Classification: Uncertain significance for TTN-related condition. Last evaluated: 2026-01-22. Review status: criteria provided, single submitter. Criteria: ACMG Guidelines, 2015. Collection method: clinical testing. Allele origin: germline.
Comment: The TTN c.11312-4400A>G variant is predicted to interfere with splicing. Of note, this variant is also referred to as c.16079A>G (p.Asp5360Gly), located in exon 46 of the alternative Novex-3 transcript NM_133379 (minor small cardiac isoform). This exon is not included in any other TTN transcripts (principle cardiac or skeletal muscle isoforms). To our knowledge, this variant has not been reported in the literature. This variant is reported in 0.00089% of alleles in individuals of European (Non-Finnish) descent in gnomAD. At this time, the clinical significance of this variant is uncertain due to the absence of conclusive functional and genetic evidence.

NM_001267550.2(TTN):c.11312-4400A>G

Gene: TTN (titin; minus strand). Cytogenetic location: 2q31.2.
Variant type: single nucleotide variant.
Coding change: c.11312-4400A>G on transcript NM_001267550.2 (MANE Select); 4400 bases into the intron before coding-DNA position 11312, A replaced by G.
Molecular consequence: intron variant. On other transcripts: missense variant (1).
Genome position (GRCh38, 1-based): chr2:178,746,321, T>C on the plus strand (A>G on the coding strand, the complement: TTN is on the minus strand). VCF-style: chr2-178746321-T-C. GRCh37 (hg19) VCF-style: chr2-179611048-T-C.
Other names: c.16079A>G, p.Asp5360Gly (NM_133379.5); c.10223-4400A>G (NM_003319.4); c.10799-4400A>G (NM_133437.4); c.10598-4400A>G (NM_133432.3); c.10360+6803A>G (NM_133378.4); c.10361-4400A>G (NM_001256850.1); short protein forms D5360G.
Identifiers: ClinVar variation 4979602 (VCV004979602.1).